The following is an entry in ClinVar:

NM_007227.3(GPR45):c.678C>G (p.Ala226=)

Gene: GPR45 (G protein-coupled receptor 45; plus strand). Cytogenetic location: 2q12.1.
Variant type: single nucleotide variant.
Coding change: c.678C>G on transcript NM_007227.3 (MANE Select); coding-DNA position 678, C replaced by G.
Protein change: p.Ala226=; no amino-acid change (alanine 226 retained).
Molecular consequence: synonymous variant.
Genome position (GRCh38, 1-based): chr2:105,242,536, C>G. VCF-style: chr2-105242536-C-G. GRCh37 (hg19) VCF-style: chr2-105858993-C-G.
Identifiers: ClinVar variation 1544668 (VCV001544668.10), dbSNP rs140158310, ClinGen allele CA1813636.

ClinVar aggregate classification (germline): Benign/Likely benign. Review status: criteria provided, multiple submitters, no conflicts (2 of 4 stars). 3 submissions from 3 submitters: Benign (2); Likely benign (1). Last evaluated 2026-01-27.

Conditions:
GPR45-related condition.

Allele frequency attached by ClinVar (database versions not stated): 1000 Genomes Project 0.00180; 1000 Genomes Project 30x 0.00203; ExAC 0.00221; ESP Exome Variant Server 0.00246; gnomAD 0.00272 and 0.00286; TOPMed 0.00334.

Submissions (3):

Labcorp Genetics (formerly Invitae), Labcorp
Classification: Benign. Last evaluated: 2026-01-27. Review status: criteria provided, single submitter. Criteria: Invitae Variant Classification Sherloc (09022015). Collection method: clinical testing. Allele origin: germline.

PreventionGenetics, part of Exact Sciences
Classification: Likely benign for GPR45-related condition. Last evaluated: 2025-11-27. Review status: criteria provided, single submitter. Criteria: ACMG Guidelines, 2015. Collection method: clinical testing. Allele origin: germline.
Comment: This variant is classified as likely benign based on ACMG/AMP sequence variant interpretation guidelines (Richards et al. 2015 PMID: 25741868, with internal and published modifications).

Breakthrough Genomics
Classification: Benign. Review status: criteria provided, single submitter. Criteria: ACMG Guidelines, 2015. Collection method: not provided. Allele origin: germline. Inheritance: Unknown mechanism. Affected: yes.